The following is an entry in ClinVar:

NM_000059.4(BRCA2):c.4106C>T (p.Ser1369Phe)

Gene: BRCA2 (BRCA2 DNA repair associated; plus strand). Cytogenetic location: 13q13.1.
Variant type: single nucleotide variant.
Coding change: c.4106C>T on transcript NM_000059.4 (MANE Select); coding-DNA position 4106, C replaced by T.
Protein change: p.Ser1369Phe; replaces serine 1369 with phenylalanine.
Molecular consequence: missense variant.
Genome position (GRCh38, 1-based): chr13:32,338,461, C>T. VCF-style: chr13-32338461-C-T. GRCh37 (hg19) VCF-style: chr13-32912598-C-T.
Other names: short protein forms S1369F.
Identifiers: ClinVar variation 485417 (VCV000485417.17), dbSNP rs1555283554, ClinGen allele CA387779280.

ClinVar aggregate classification (germline): Conflicting classifications of pathogenicity. Review status: criteria provided, conflicting classifications (1 of 4 stars). 3 submissions from 3 submitters: Uncertain significance (2); Likely benign (1). Last evaluated 2023-03-23.

Conditions:
Hereditary breast ovarian cancer syndrome. Also called: Hereditary breast and ovarian cancer syndrome; Hereditary breast and ovarian cancer; Hereditary breast and ovarian cancer syndrome (HBOC); Breast and ovarian cancer; Hereditary breast and/or ovarian cancer syndrome; BRCA1- and BRCA2-Associated Hereditary Breast and Ovarian Cancer. Identifiers: Orphanet 145, MedGen C0677776, MeSH D061325, MONDO:0003582. Disease mechanism: loss of function.
Hereditary cancer-predisposing syndrome. Also called: Neoplastic Syndromes, Hereditary; Tumor predisposition; Hereditary Cancer Syndrome; Hereditary neoplastic syndrome. Identifiers: Orphanet 140162, MedGen C0027672, MeSH D009386, MONDO:0015356.

Submissions (3):

University of Washington Department of Laboratory Medicine, University of Washington
Classification: Likely benign for Hereditary cancer-predisposing syndrome. Last evaluated: 2023-03-23. Review status: criteria provided, single submitter. Criteria: Dines et al. (Genet Med. 2020). Collection method: curation. Allele origin: germline.
Comment: Missense variant in a coldspot region where missense variants are very unlikely to be pathogenic (PMID:31911673).

BRCA2 exon 11 coldspot. Reclassification based on statistical prior probability.

Ambry Genetics
Classification: Uncertain significance for Hereditary cancer-predisposing syndrome. Last evaluated: 2020-03-19. Review status: criteria provided, single submitter. Criteria: Ambry Variant Classification Scheme 2023. Collection method: clinical testing. Allele origin: germline.
Comment: The p.S1369F variant (also known as c.4106C>T), located in coding exon 10 of the BRCA2 gene, results from a C to T substitution at nucleotide position 4106. The serine at codon 1369 is replaced by phenylalanine, an amino acid with highly dissimilar properties. This amino acid position is not well conserved in available vertebrate species. In addition, this alteration is predicted to be tolerated by in silico analysis. Since supporting evidence is limited at this time, the clinical significance of this alteration remains unclear.

Labcorp Genetics (formerly Invitae), Labcorp
Classification: Uncertain significance for Hereditary breast ovarian cancer syndrome. Last evaluated: 2019-07-30. Review status: criteria provided, single submitter. Criteria: Invitae Variant Classification Sherloc (09022015). Collection method: clinical testing. Allele origin: germline.
Comment: This sequence change replaces serine with phenylalanine at codon 1369 of the BRCA2 protein (p.Ser1369Phe). The serine residue is moderately conserved and there is a large physicochemical difference between serine and phenylalanine. This variant is not present in population databases (ExAC no frequency). This variant has not been reported in the literature in individuals with BRCA2-related conditions. ClinVar contains an entry for this variant (Variation ID: 485417). Algorithms developed to predict the effect of missense changes on protein structure and function (SIFT, PolyPhen-2, Align-GVGD) all suggest that this variant is likely to be tolerated, but these predictions have not been confirmed by published functional studies and their clinical significance is uncertain. In summary, the available evidence is currently insufficient to determine the role of this variant in disease. Therefore, it has been classified as a Variant of Uncertain Significance.